The following is an entry in ClinVar:

ClinVar aggregate classification (germline): Uncertain significance. Review status: criteria provided, multiple submitters, no conflicts (2 of 4 stars). 2 submissions from 2 submitters: Uncertain significance (2). Last evaluated 2024-06-18.

Conditions:
Polycystic kidney disease, adult type (PKD1). Also called: Polycystic Kidney Disease 1, Autosomal Dominant; Polycystic kidney disease 1; Polycystic kidney disease 1, severe; Polycystic Kidney, Autosomal Dominant; POLYCYSTIC KIDNEY DISEASE 1 WITH OR WITHOUT POLYCYSTIC LIVER DISEASE; POLYCYSTIC KIDNEY DISEASE, ADULT, TYPE I. Identifiers: MedGen C3149841, MONDO:0008263, OMIM 173900.

Submissions (2):

Fulgent Genetics
Classification: Uncertain significance for Polycystic kidney disease, adult type. Last evaluated: 2024-06-18. Review status: criteria provided, single submitter. Criteria: ACMG Guidelines, 2015. Collection method: clinical testing. Allele origin: germline.

MVZ Medizinische Genetik Mainz
Classification: Uncertain significance for Polycystic kidney disease, adult type. Last evaluated: 2023-08-23. Review status: criteria provided, single submitter. Criteria: UK Practice Guidelines For Variant Classification V4 01 2020. Collection method: clinical testing. Allele origin: germline. Inheritance: Autosomal dominant inheritance. Affected: yes. Observed: 1 variant allele.
Comment: ACMG Criteria: PM2_SUP,PP4

NM_001009944.3(PKD1):c.11843C>G (p.Thr3948Arg)

Gene: PKD1 (polycystin 1, transient receptor potential channel interacting; minus strand). Cytogenetic location: 16p13.3.
Variant type: single nucleotide variant.
Coding change: c.11843C>G on transcript NM_001009944.3 (MANE Select); coding-DNA position 11843, C replaced by G.
Protein change: p.Thr3948Arg; replaces threonine 3948 with arginine.
Molecular consequence: missense variant.
Genome position (GRCh38, 1-based): chr16:2,091,044, G>C on the plus strand (C>G on the coding strand, the complement: PKD1 is on the minus strand). VCF-style: chr16-2091044-G-C. GRCh37 (hg19) VCF-style: chr16-2141045-G-C.
Other names: c.11840C>G, p.Thr3947Arg (NM_000296.4); short protein forms T3947R, T3948R.
Identifiers: ClinVar variation 3236386 (VCV003236386.2), dbSNP rs2544598854, ClinGen allele CA394329641.